The following is an entry in ClinVar:

NM_001386135.1(AFF3):c.1185-3C>T

Gene: AFF3 (ALF transcription elongation factor 3; minus strand). Cytogenetic location: 2q11.2.
Variant type: single nucleotide variant.
Coding change: c.1185-3C>T on transcript NM_001386135.1 (MANE Select); 3 bases into the intron before coding-DNA position 1185, C replaced by T.
Molecular consequence: intron variant.
Genome position (GRCh38, 1-based): chr2:99,601,624, G>A on the plus strand (C>T on the coding strand, the complement: AFF3 is on the minus strand). VCF-style: chr2-99601624-G-A. GRCh37 (hg19) VCF-style: chr2-100218086-G-A.
Other names: c.1185-3C>T (NM_002285.3); c.1260-3C>T (NM_001025108.2).
Identifiers: ClinVar variation 2651196 (VCV002651196.24), dbSNP rs754994482, ClinGen allele CA1801212.

ClinVar aggregate classification (germline): Uncertain significance (1 of 4 stars; one submission).

Allele frequency attached by ClinVar (database versions not stated): ExAC 0.00001; gnomAD 0.00001; TOPMed 0.00001.

Submission:

CeGaT Center for Human Genetics Tuebingen
Classification: Uncertain significance. Last evaluated: 2023-08-01. Review status: criteria provided, single submitter. Criteria: CeGaT Center For Human Genetics Tuebingen Variant Classification Criteria Version 2. Collection method: clinical testing. Allele origin: germline. Affected: yes. Observed: 1 variant allele.
Comment: AFF3: PM2:Supporting, BP4